The following is an entry in ClinVar:

NM_001039876.3(SYNE4):c.213C>T (p.Ala71=)

Gene: SYNE4 (spectrin repeat containing nuclear envelope family member 4; minus strand). Cytogenetic location: 19q13.12.
Variant type: single nucleotide variant.
Coding change: c.213C>T on transcript NM_001039876.3 (MANE Select); coding-DNA position 213, C replaced by T.
Protein change: p.Ala71=; no amino-acid change (alanine 71 retained).
Molecular consequence: synonymous variant.
Genome position (GRCh38, 1-based): chr19:36,008,283, G>A on the plus strand (C>T on the coding strand, the complement: SYNE4 is on the minus strand). VCF-style: chr19-36008283-G-A. GRCh37 (hg19) VCF-style: chr19-36499185-G-A.
Other names: c.213C>T, p.Ala71= (NM_001297735.3); c.213C>T (NM_001039876.2, NM_001039876.1).
Identifiers: ClinVar variation 595874 (VCV000595874.15), dbSNP rs182159084, ClinGen allele CA9394000.

ClinVar aggregate classification (germline): Conflicting classifications of pathogenicity. Review status: criteria provided, conflicting classifications (1 of 4 stars). 5 submissions from 5 submitters: Uncertain significance (1); Likely benign (4). Last evaluated 2026-01-28.

Conditions:
SYNE4-related disorder. Also called: SYNE4-related condition.

Allele frequency attached by ClinVar (database versions not stated): ESP Exome Variant Server 0.00008; ExAC 0.00015; gnomAD 0.00015 and 0.00017; TOPMed 0.00020; gnomAD exomes 0.00023; 1000 Genomes Project 0.00040; 1000 Genomes Project 30x 0.00062.
gnomAD v4.1: 207 of 1,599,970 alleles (0.013%); highest among the groups gnomAD compares: Middle Eastern, 0.17%; 1 homozygote.

Submissions (5):

Labcorp Genetics (formerly Invitae), Labcorp
Classification: Likely benign. Last evaluated: 2026-01-28. Review status: criteria provided, single submitter. Criteria: Invitae Variant Classification Sherloc (09022015). Collection method: clinical testing. Allele origin: germline.

Ambry Genetics
Classification: Likely benign. Last evaluated: 2025-08-28. Review status: criteria provided, single submitter. Criteria: Ambry Variant Classification Scheme 2023. Collection method: clinical testing. Allele origin: germline.

PreventionGenetics, part of Exact Sciences
Classification: Likely benign for SYNE4-related condition. Last evaluated: 2025-08-05. Review status: criteria provided, single submitter. Criteria: ACMG Guidelines, 2015. Collection method: clinical testing. Allele origin: germline.
Comment: This variant is classified as likely benign based on ACMG/AMP sequence variant interpretation guidelines (Richards et al. 2015 PMID: 25741868, with internal and published modifications).

Blueprint Genetics
Classification: Likely benign. Last evaluated: 2024-10-30. Review status: criteria provided, single submitter. Criteria: ACMG Guidelines, 2015. Collection method: clinical testing. Allele origin: germline.

Eurofins Ntd Llc (ga)
Classification: Uncertain significance. Last evaluated: 2018-02-13. Review status: criteria provided, single submitter. Criteria: EGL ClinVar v180209 classification definitions. Collection method: clinical testing. Allele origin: germline. Observed: 1 variant allele, 1 heterozygote.